The following is an entry in ClinVar:

NM_000266.4(NDP):c.220C>T (p.Arg74Cys)

Genes: NDP (norrin cystine knot growth factor NDP; minus strand), NDP-AS1 (NDP antisense RNA 1; plus strand). Cytogenetic location: Xp11.3.
Variant type: single nucleotide variant.
Coding change: c.220C>T on transcript NM_000266.4 (MANE Select); coding-DNA position 220, C replaced by T.
Protein change: p.Arg74Cys; replaces arginine 74 with cysteine.
Molecular consequence: missense variant. On other transcripts: non-coding transcript variant (1).
Genome position (GRCh38, 1-based): chrX:43,949,981, G>A on the plus strand (C>T on the coding strand, the complement: NDP is on the minus strand). VCF-style: chrX-43949981-G-A. GRCh37 (hg19) VCF-style: chrX-43809227-G-A.
Other names: short protein forms R74C.
Identifiers: ClinVar variation 167326 (VCV000167326.15), dbSNP rs727504031, ClinGen allele CA273351.

ClinVar aggregate classification (germline): Pathogenic. Review status: criteria provided, multiple submitters, no conflicts (2 of 4 stars). 4 submissions from 4 submitters: Pathogenic (4). Last evaluated 2022-07-19.

Conditions:
NDP-related disorders.
Atrophia bulborum hereditaria (ND). Also called: Pseudoglioma; Norrie syndrome; Norrie-Warburg syndrome; Anderson-Warburg syndrome; Fetal iritis syndrome; Norrie Disease. Identifiers: Orphanet 649, MedGen C0266526, MONDO:0010691, OMIM 310600, HP:6000262.

Submissions (4):

Labcorp Genetics (formerly Invitae), Labcorp
Classification: Pathogenic. Last evaluated: 2022-07-19. Review status: criteria provided, single submitter. Criteria: Invitae Variant Classification Sherloc (09022015). Collection method: clinical testing. Allele origin: germline.
Comment: For these reasons, this variant has been classified as Pathogenic. Algorithms developed to predict the effect of missense changes on protein structure and function (SIFT, PolyPhen-2, Align-GVGD) all suggest that this variant is likely to be disruptive. ClinVar contains an entry for this variant (Variation ID: 167326). This missense change has been observed in individuals with Norrie disease and congenital blindness (PMID: 1307245, 15776010, 22563645, 23141577). It has also been observed to segregate with disease in related individuals. This variant is not present in population databases (gnomAD no frequency). This sequence change replaces arginine, which is basic and polar, with cysteine, which is neutral and slightly polar, at codon 74 of the NDP protein (p.Arg74Cys).

Blueprint Genetics
Classification: Pathogenic for NDP-related disorders. Last evaluated: 2022-02-21. Review status: criteria provided, single submitter. Criteria: ACMG Guidelines, 2015. Collection method: clinical testing. Allele origin: germline. Affected: yes. Observed: 2 variant alleles.

HudsonAlpha Institute for Biotechnology
Classification: Pathogenic for Atrophia bulborum hereditaria. Last evaluated: 2015-11-12. Review status: criteria provided, single submitter. Criteria: HA_assertions_20161101. Collection method: research. Allele origin: maternal. Affected: yes. Observed: 1 variant allele. Study: CSER-HudsonAlpha.

Eurofins Ntd Llc (ga)
Classification: Pathogenic. Last evaluated: 2014-04-15. Review status: criteria provided, single submitter. Criteria: EGL Classification Definitions 2015. Collection method: clinical testing. Allele origin: germline. Observed: 1 variant allele, 1 hemizygote.

Literature cited by the submitters: PubMed 1307245 (cited by Labcorp Genetics (formerly Invitae), Labcorp and Eurofins Ntd Llc (ga)); PubMed 15776010 (cited by Labcorp Genetics (formerly Invitae), Labcorp and Eurofins Ntd Llc (ga)); PubMed 22563645 (cited by Labcorp Genetics (formerly Invitae), Labcorp and Eurofins Ntd Llc (ga)); PubMed 23141577 (cited by Labcorp Genetics (formerly Invitae), Labcorp).